The following is an entry in ClinVar:

NM_004560.4(ROR2):c.1523C>T (p.Thr508Met)

Gene: ROR2 (ROR family WNT receptor 2; minus strand). Cytogenetic location: 9q22.31.
Variant type: single nucleotide variant.
Coding change: c.1523C>T on transcript NM_004560.4 (MANE Select); coding-DNA position 1523, C replaced by T.
Protein change: p.Thr508Met; replaces threonine 508 with methionine.
Molecular consequence: missense variant.
Genome position (GRCh38, 1-based): chr9:91,724,971, G>A on the plus strand (C>T on the coding strand, the complement: ROR2 is on the minus strand). VCF-style: chr9-91724971-G-A. GRCh37 (hg19) VCF-style: chr9-94487253-G-A.
Other names: short protein forms T508M.
Identifiers: ClinVar variation 2366083 (VCV002366083.6), dbSNP rs148289272, ClinGen allele CA5120664.
Genomic context (GRCh38, chr9:91,724,971, plus strand): 5'-CGCAGCATAGCCTCATGCCGGAACTCCTCCCGCAGGGGCCCCTCCGCTTTGTCCTTCAGC[G>A]TTTTGATGGCCACAGCCTGGGTCTGCTCCCCCGGGGCAGGGCCGAACAGGTGACCTTTGT-3'
Protein context (NP_004551.2, residues 498-518): GEQTQAVAIK[Thr508Met]LKDKAEGPLR

ClinVar aggregate classification (germline): Uncertain significance. Review status: criteria provided, multiple submitters, no conflicts (2 of 4 stars). 4 submissions from 4 submitters: Uncertain significance (4). Last evaluated 2025-08-14.

Conditions:
Inborn genetic diseases. Identifiers: MedGen C0950123, MeSH D030342.
Autosomal recessive Robinow syndrome (RRS1). Also called: ROBINOW SYNDROME, AUTOSOMAL RECESSIVE 1; ROR2-Related Robinow Syndrome; COSTOVERTEBRAL SEGMENTATION DEFECT WITH MESOMELIA; COVESDEM SYNDROME. Identifiers: Orphanet 1507, Orphanet 97360, MedGen C5399974, MONDO:0009999, OMIM 268310.
Brachydactyly type B1 (BDB1). Identifiers: Orphanet 572385, Orphanet 93383, MedGen C1862112, MONDO:0007220, OMIM 113000.

Allele frequency attached by ClinVar (database versions not stated): gnomAD exomes 0.00001; ExAC 0.00002; gnomAD 0.00006; TOPMed 0.00007; ESP Exome Variant Server 0.00031.
gnomAD v4.1: 17 of 1,613,584 alleles (0.0011%); highest among the groups gnomAD compares: African/African-American, 0.011%; no homozygotes.

Submissions (4):

Labcorp Genetics (formerly Invitae), Labcorp
Classification: Uncertain significance. Last evaluated: 2025-08-14. Review status: criteria provided, single submitter. Criteria: Invitae Variant Classification Sherloc (09022015). Collection method: clinical testing. Allele origin: germline.
Comment: This sequence change replaces threonine, which is neutral and polar, with methionine, which is neutral and non-polar, at codon 508 of the ROR2 protein (p.Thr508Met). This variant is present in population databases (rs148289272, gnomAD 0.02%). This variant has not been reported in the literature in individuals affected with ROR2-related conditions. ClinVar contains an entry for this variant (Variation ID: 2366083). Invitae Evidence Modeling of protein sequence and biophysical properties (such as structural, functional, and spatial information, amino acid conservation, physicochemical variation, residue mobility, and thermodynamic stability) indicates that this missense variant is not expected to disrupt ROR2 protein function with a negative predictive value of 80%. In summary, the available evidence is currently insufficient to determine the role of this variant in disease. Therefore, it has been classified as a Variant of Uncertain Significance.

Fulgent Genetics
Classification: Uncertain significance for Brachydactyly type B1; Autosomal recessive Robinow syndrome. Last evaluated: 2024-02-12. Review status: criteria provided, single submitter. Criteria: ACMG Guidelines, 2015. Collection method: clinical testing. Allele origin: germline.

Blueprint Genetics
Classification: Uncertain significance. Last evaluated: 2022-10-25. Review status: criteria provided, single submitter. Criteria: ACMG Guidelines, 2015. Collection method: clinical testing. Allele origin: germline.

Ambry Genetics
Classification: Uncertain significance for Inborn genetic diseases. Last evaluated: 2021-10-06. Review status: criteria provided, single submitter. Criteria: Ambry Variant Classification Scheme 2023. Collection method: clinical testing. Allele origin: germline.